The following is an entry in ClinVar:

ClinVar aggregate classification (germline): Likely benign. Review status: criteria provided, multiple submitters, no conflicts (2 of 4 stars). 3 submissions from 3 submitters: Likely benign (3). Last evaluated 2025-05-04.

Allele frequency attached by ClinVar (database versions not stated): gnomAD 0.00006; gnomAD exomes 0.00006; ExAC 0.00007; TOPMed 0.00011.
gnomAD v4.1: 92 of 1,614,164 alleles (0.0057%); highest among the groups gnomAD compares: East Asian, 0.0089%; no homozygotes.

Submissions (3):

Labcorp Genetics (formerly Invitae), Labcorp
Classification: Likely benign. Last evaluated: 2025-05-04. Review status: criteria provided, single submitter. Criteria: Invitae Variant Classification Sherloc (09022015). Collection method: clinical testing. Allele origin: germline.

Women's Health and Genetics/Laboratory Corporation of America, LabCorp
Classification: Likely benign. Last evaluated: 2024-11-26. Review status: criteria provided, single submitter. Criteria: LabCorp Variant Classification Summary - May 2015. Collection method: clinical testing. Allele origin: germline.
Comment: Variant summary: GSDME c.1443T>C alters a conserved nucleotide resulting in a synonymous change. The variant was absent in 251426 control chromosomes. The available data on variant occurrences in the general population are insufficient to allow any conclusion about variant significance. To our knowledge, no occurrence of c.1443T>C in individuals affected with Autosomal Dominant Nonsyndromic Hearing Loss 5 and no experimental evidence demonstrating its impact on protein function have been reported. ClinVar contains an entry for this variant (Variation ID: 748690). Based on the evidence outlined above, the variant was classified as likely benign.

GeneDx
Classification: Likely benign. Last evaluated: 2021-03-07. Review status: criteria provided, single submitter. Criteria: GeneDx Variant Classification Process June 2021. Collection method: clinical testing. Allele origin: germline. Affected: yes.

NM_001127453.2(GSDME):c.1443T>C (p.Leu481=)

Gene: GSDME (gasdermin E; minus strand). Cytogenetic location: 7p15.3.
Variant type: single nucleotide variant.
Coding change: c.1443T>C on transcript NM_001127453.2 (MANE Select); coding-DNA position 1443, T replaced by C.
Protein change: p.Leu481=; no amino-acid change (leucine 481 retained).
Molecular consequence: synonymous variant.
Genome position (GRCh38, 1-based): chr7:24,699,074, A>G on the plus strand (T>C on the coding strand, the complement: GSDME is on the minus strand). VCF-style: chr7-24699074-A-G. GRCh37 (hg19) VCF-style: chr7-24738693-A-G.
Other names: c.951T>C, p.Leu317= (NM_001127454.2); c.1443T>C, p.Leu481= (NM_004403.3).
Identifiers: ClinVar variation 748690 (VCV000748690.12), dbSNP rs752354361, ClinGen allele CA4191272.